The following is an entry in ClinVar:

NM_001184880.2(PCDH19):c.1682C>T (p.Pro561Leu)

Gene: PCDH19 (protocadherin 19; minus strand). Cytogenetic location: Xq22.1.
Variant type: single nucleotide variant.
Coding change: c.1682C>T on transcript NM_001184880.2 (MANE Select); coding-DNA position 1682, C replaced by T.
Protein change: p.Pro561Leu; replaces proline 561 with leucine.
Molecular consequence: missense variant.
Genome position (GRCh38, 1-based): chrX:100,406,916, G>A on the plus strand (C>T on the coding strand, the complement: PCDH19 is on the minus strand). VCF-style: chrX-100406916-G-A. GRCh37 (hg19) VCF-style: chrX-99661914-G-A.
Other names: c.1682C>T, p.Pro561Leu (NM_001105243.2, NM_020766.3); c.1682C>T (NM_001184880.1); short protein forms P561L.
Identifiers: ClinVar variation 1023566 (VCV001023566.11), dbSNP rs796052819, ClinGen allele CA414002193.

ClinVar aggregate classification (germline): Pathogenic. Review status: criteria provided, multiple submitters, no conflicts (2 of 4 stars). 2 submissions from 2 submitters: Pathogenic (2). Last evaluated 2026-09-23.

Conditions:
Developmental and epileptic encephalopathy, 9 (DEE9). Also called: Early infantile epileptic encephalopathy 9; JUBERG-HELLMAN SYNDROME; PCDH19-Related X-Linked Female-Limited Epilepsy with Mental Retardation; EPILEPSY, FEMALE-RESTRICTED, WITH MENTAL RETARDATION. Identifiers: Orphanet 101039, Orphanet 2076, MedGen C1848137, MONDO:0010246, OMIM 300088. Disease mechanism: loss of function.

Submissions (2):

GeneDx
Classification: Pathogenic. Last evaluated: 2026-09-23. Review status: criteria provided, single submitter. Criteria: GeneDx Variant Classification Process June 2021. Collection method: clinical testing. Allele origin: germline.
Comment: Not observed at significant frequency in large population cohorts (gnomAD); In silico analysis supports that this missense variant has a deleterious effect on protein structure/function; This variant is associated with the following publications: (PMID: 39017914, 42667410, 38891919)

Labcorp Genetics (formerly Invitae), Labcorp
Classification: Pathogenic for Developmental and epileptic encephalopathy, 9. Last evaluated: 2024-05-14. Review status: criteria provided, single submitter. Criteria: Invitae Variant Classification Sherloc (09022015). Collection method: clinical testing. Allele origin: germline.
Comment: This sequence change replaces proline, which is neutral and non-polar, with leucine, which is neutral and non-polar, at codon 561 of the PCDH19 protein (p.Pro561Leu). This variant is not present in population databases (gnomAD no frequency). This missense change has been observed in individuals with clinical features of early infantile epileptic encephalopathy (Invitae). ClinVar contains an entry for this variant (Variation ID: 1023566). Advanced modeling of protein sequence and biophysical properties (such as structural, functional, and spatial information, amino acid conservation, physicochemical variation, residue mobility, and thermodynamic stability) performed at Invitae indicates that this missense variant is expected to disrupt PCDH19 protein function with a positive predictive value of 95%. This variant disrupts the p.Pro561 amino acid residue in PCDH19. Other variant(s) that disrupt this residue have been determined to be pathogenic (PMID: 23708187, 30287595). This suggests that this residue is clinically significant, and that variants that disrupt this residue are likely to be disease-causing. For these reasons, this variant has been classified as Pathogenic.

Literature cited by the submitters: PubMed 23708187 (cited by Labcorp Genetics (formerly Invitae), Labcorp); PubMed 30287595 (cited by Labcorp Genetics (formerly Invitae), Labcorp).